The following is an entry in ClinVar:

NM_006516.4(SLC2A1):c.634C>T (p.Arg212Cys)

Gene: SLC2A1 (solute carrier family 2 member 1; minus strand). Cytogenetic location: 1p34.2.
Variant type: single nucleotide variant.
Coding change: c.634C>T on transcript NM_006516.4 (MANE Select); coding-DNA position 634, C replaced by T.
Protein change: p.Arg212Cys; replaces arginine 212 with cysteine.
Molecular consequence: missense variant.
Genome position (GRCh38, 1-based): chr1:42,929,918, G>A on the plus strand (C>T on the coding strand, the complement: SLC2A1 is on the minus strand). VCF-style: chr1-42929918-G-A. GRCh37 (hg19) VCF-style: chr1-43395589-G-A.
Other names: short protein forms R212C.
Identifiers: ClinVar variation 37300 (VCV000037300.53), dbSNP rs387907312, ClinGen allele CA019231.

ClinVar aggregate classification (germline): Pathogenic/Likely pathogenic. Review status: criteria provided, multiple submitters, no conflicts (2 of 4 stars). 6 submissions from 6 submitters: Pathogenic (4); Likely pathogenic (1). 1 of the submissions does not count toward it. Last evaluated 2026-03-30.

Conditions:
Dystonia 9 (DYT9). Also called: CHOREOATHETOSIS, KINESIGENIC, WITH EPISODIC ATAXIA AND SPASTICITY. Identifiers: Orphanet 53583, MedGen C1832855, MONDO:0010983, OMIM 601042.
GLUT1 deficiency syndrome 1, autosomal recessive. Identifiers: MedGen C3149117.
Encephalopathy due to GLUT1 deficiency. Also called: GLUT1 deficiency syndrome 1; De Vivo disease; GLUT1 deficiency syndrome 1, infantile onset, severe; Glucose transporter protein syndrome; GLUCOSE TRANSPORT DEFECT, BLOOD-BRAIN BARRIER; Classic Glucose Transporter Type 1 Deficiency Syndrome. Identifiers: Orphanet 71277, MedGen C4551966, MONDO:0011724, OMIM 606777.

Submissions (6):

Institute of Human Genetics, Heidelberg University
Classification: Likely pathogenic for Encephalopathy due to GLUT1 deficiency. Last evaluated: 2026-03-30. Review status: criteria provided, single submitter. Criteria: ACMG Guidelines, 2015. Collection method: clinical testing. Allele origin: unknown. Affected: yes. Observed: 1 variant allele.
Comment: PM2_supp, PP3_mod, PP2_supp, PS4_mod, PM5_mod

Genome-Nilou Lab
Classification: Pathogenic for Encephalopathy due to GLUT1 deficiency. Last evaluated: 2023-04-11. Review status: criteria provided, single submitter. Criteria: ACMG Guidelines, 2015. Collection method: clinical testing. Allele origin: germline. Affected: no.

CeGaT Center for Human Genetics Tuebingen
Classification: Pathogenic. Last evaluated: 2022-02-01. Review status: criteria provided, single submitter. Criteria: CeGaT Center For Human Genetics Tuebingen Variant Classification Criteria Version 2. Collection method: clinical testing. Allele origin: germline. Affected: yes. Observed: 3 variant alleles.

Labcorp Genetics (formerly Invitae), Labcorp
Classification: Pathogenic for GLUT1 deficiency syndrome 1, autosomal recessive. Last evaluated: 2021-04-02. Review status: criteria provided, single submitter. Criteria: Invitae Variant Classification Sherloc (09022015). Collection method: clinical testing. Allele origin: germline.
Comment: This variant has been observed in individual(s )with fasting CSF/blood glucose ratios <0.45, findings that are highly specific for glucose transporter-1 deficiency syndrome (PMID: 20129935, 22622956), and in an individual affected with symptoms of glucose transporter-1 deficiency syndrome (PMID: 26982753). This variant has also been observed to segregate with paroxysmal choreoathetosis/spasticity in a family (PMID: 21832227). ClinVar contains an entry for this variant (Variation ID: 37300). Advanced modeling of protein sequence and biophysical properties (such as structural, functional, and spatial information, amino acid conservation, physicochemical variation, residue mobility, and thermodynamic stability) performed at Invitae indicates that this missense variant is expected to disrupt SLC2A1 protein function. This sequence change replaces arginine with cysteine at codon 212 of the SLC2A1 protein (p.Arg212Cys). The arginine residue is highly conserved and there is a large physicochemical difference between arginine and cysteine. This variant is not present in population databases (ExAC no frequency). For these reasons, this variant has been classified as Pathogenic.

GeneDx
Classification: Pathogenic. Last evaluated: 2016-04-06. Review status: criteria provided, single submitter. Criteria: GeneDx Variant Classification (06012015). Collection method: clinical testing. Allele origin: germline. Affected: yes.
Comment: The R212C variant in the SLC2A1 gene has been reported previously in an individual with seizures, mild intellectual disability, and biochemical findings consistent with Glut1-DS (Leen et al., 2010). The R212C variant has also been reported in multiple affected individuals in a large family with paroxysmal exercise-induced dyskinesia (Weber et al., 2011). Functional studies suggest that R212C results in reduced glucose uptake (Weber et al., 2011). It was not observed in approximately 6,500 individuals of European and African American ancestry in the NHLBI Exome Sequencing Project, indicating it is not a common benign variant in these populations. The R212C variant is a non-conservative amino acid substitution, which is likely to impact secondary protein structure as these residues differ in polarity, charge, size and/or other properties. This substitution occurs at a position that is conserved across species, and a different missense variant in the same residue (R212H) as well as missense variants in nearby residues (E209D, L215F) have been reported in the Human Gene Mutation Database in association with SLC2A1-related disorders (Stenson et al., 2014), supporting the functional importance of this region of the protein.

OMIM
Classification: Pathogenic for DYSTONIA 9. Last evaluated: 2011-09-06. Review status: no assertion criteria provided. Collection method: literature only. Allele origin: germline. Not counted in ClinVar's aggregate classification.

Literature cited by the submitters: PubMed 20129935 (cited by Labcorp Genetics (formerly Invitae), Labcorp); PubMed 22622956 (cited by Labcorp Genetics (formerly Invitae), Labcorp); PubMed 26982753 (cited by Labcorp Genetics (formerly Invitae), Labcorp); PubMed 21832227 (cited by Labcorp Genetics (formerly Invitae), Labcorp and OMIM); PubMed 8808284 (cited by OMIM).